The following is an entry in ClinVar:

NM_182919.4(TICAM1):c.1903G>A (p.Ala635Thr)

Gene: TICAM1 (TIR domain containing adaptor molecule 1; minus strand). Cytogenetic location: 19p13.3.
Variant type: single nucleotide variant.
Coding change: c.1903G>A on transcript NM_182919.4 (MANE Select); coding-DNA position 1903, G replaced by A.
Protein change: p.Ala635Thr; replaces alanine 635 with threonine.
Molecular consequence: missense variant.
Genome position (GRCh38, 1-based): chr19:4,816,475, C>T on the plus strand (G>A on the coding strand, the complement: TICAM1 is on the minus strand). VCF-style: chr19-4816475-C-T. GRCh37 (hg19) VCF-style: chr19-4816487-C-T.
Other names: c.1861G>A, p.Ala621Thr (NM_001385678.1); c.1768G>A, p.Ala590Thr (NM_001385679.1); c.1261G>A, p.Ala421Thr (NM_001385680.1); short protein forms A421T, A590T, A621T, A635T.
Identifiers: ClinVar variation 1717496 (VCV001717496.6), dbSNP rs780241594, ClinGen allele CA9105039.
Genomic context (GRCh38, chr19:4,816,475, plus strand): 5'-GTGACTGTGGAAAGGCTGCTGGCTGTGGGGAGGGCGGTGGGGGGGTGCCAGCCTGCCATG[C>T]GTGCAGGGGTGGCGGCTGCGGGCACCCCGGCCAAGTGGGAAAGGGTGGCGGGGCTCCCAG-3'
Protein context (NP_891549.1, residues 625-645): PGCPQPPPLH[Ala635Thr]WQAGTPPPPS

ClinVar aggregate classification (germline): Uncertain significance (1 of 4 stars; one submission).

Conditions:
Encephalopathy, acute, infection-induced (herpes-specific), susceptibility to, 6. Also called: Herpes simplex encephalitis, susceptibility to, 4. Identifiers: Orphanet 1930, MedGen C3553869, MONDO:0013921, OMIM 614850.

Allele frequency attached by ClinVar (database versions not stated): ExAC 0.00001.

Submission:

Labcorp Genetics (formerly Invitae), Labcorp
Classification: Uncertain significance for Encephalopathy, acute, infection-induced (herpes-specific), susceptibility to, 6. Last evaluated: 2024-08-10. Review status: criteria provided, single submitter. Criteria: Invitae Variant Classification Sherloc (09022015). Collection method: clinical testing. Allele origin: germline.
Comment: This sequence change replaces alanine, which is neutral and non-polar, with threonine, which is neutral and polar, at codon 635 of the TICAM1 protein (p.Ala635Thr). The frequency data for this variant in the population databases is considered unreliable, as metrics indicate poor data quality at this position in the gnomAD database. This variant has not been reported in the literature in individuals affected with TICAM1-related conditions. ClinVar contains an entry for this variant (Variation ID: 1717496). An algorithm developed to predict the effect of missense changes on protein structure and function (PolyPhen-2) suggests that this variant is likely to be tolerated. In summary, the available evidence is currently insufficient to determine the role of this variant in disease. Therefore, it has been classified as a Variant of Uncertain Significance.